The following is an entry in ClinVar:

ClinVar aggregate classification (germline): Likely benign (1 of 4 stars; one submission).

Allele frequency attached by ClinVar (database versions not stated): ExAC 0.00008; TOPMed 0.00009; gnomAD 0.00015.
gnomAD v4.1: 71 of 1,611,794 alleles (0.0044%); highest among the groups gnomAD compares: African/African-American, 0.048%; 1 homozygote.

Submission:

CeGaT Center for Human Genetics Tuebingen
Classification: Likely benign. Last evaluated: 2022-04-01. Review status: criteria provided, single submitter. Criteria: CeGaT Center For Human Genetics Tuebingen Variant Classification Criteria Version 2. Collection method: clinical testing. Allele origin: germline. Affected: yes. Observed: 1 variant allele.
Comment: MATN2: BP4, BP7

NM_002380.5(MATN2):c.2652T>C (p.Tyr884=)

Genes: MATN2 (matrilin 2; plus strand), LOC126860448 (BRD4-independent group 4 enhancer GRCh37_chr8:99044769-99045968; plus strand). Cytogenetic location: 8q22.2.
Variant type: single nucleotide variant.
Coding change: c.2652T>C on transcript NM_002380.5 (MANE Select); coding-DNA position 2652, T replaced by C.
Protein change: p.Tyr884=; no amino-acid change (tyrosine 884 retained).
Molecular consequence: synonymous variant.
Genome position (GRCh38, 1-based): chr8:98,033,112, T>C. VCF-style: chr8-98033112-T-C. GRCh37 (hg19) VCF-style: chr8-99045340-T-C.
Other names: c.2529T>C, p.Tyr843= (NM_001317748.2); c.2595T>C, p.Tyr865= (NM_030583.4).
Identifiers: ClinVar variation 2658704 (VCV002658704.24), dbSNP rs772789526, ClinGen allele CA4819470.